The following is an entry in ClinVar:

NM_004329.3(BMPR1A):c.1502C>T (p.Ser501Leu)

Gene: BMPR1A (bone morphogenetic protein receptor type 1A; plus strand). Cytogenetic location: 10q23.2.
Variant type: single nucleotide variant.
Coding change: c.1502C>T on transcript NM_004329.3 (MANE Select); coding-DNA position 1502, C replaced by T.
Protein change: p.Ser501Leu; replaces serine 501 with leucine.
Molecular consequence: missense variant. On other transcripts: non-coding transcript variant (3).
Genome position (GRCh38, 1-based): chr10:86,923,622, C>T. VCF-style: chr10-86923622-C-T. GRCh37 (hg19) VCF-style: chr10-88683379-C-T.
Other names: c.1577C>T, p.Ser526Leu (NM_001406559.1); c.1550C>T, p.Ser517Leu (NM_001406560.1); c.1502C>T, p.Ser501Leu (NM_001406561.1, NM_001406562.1, NM_001406563.1 and 19 more transcripts); c.1418C>T, p.Ser473Leu (NM_001406588.1, NM_001406584.1, NM_001406585.1 and 2 more transcripts); c.1160C>T, p.Ser387Leu (NM_001406589.1); c.1496C>T, p.Ser499Leu (NM_001406583.1); short protein forms S473L, S499L, S387L, S526L, S501L, S517L.
Identifiers: ClinVar variation 4214370 (VCV004214370.1).

ClinVar aggregate classification (germline): Uncertain significance (1 of 4 stars; one submission).

Conditions:
Hereditary cancer-predisposing syndrome. Also called: Neoplastic Syndromes, Hereditary; Tumor predisposition; Hereditary Cancer Syndrome; Hereditary neoplastic syndrome. Identifiers: Orphanet 140162, MedGen C0027672, MeSH D009386, MONDO:0015356.

Submission:

Ambry Genetics
Classification: Uncertain significance for Hereditary cancer-predisposing syndrome. Last evaluated: 2025-07-14. Review status: criteria provided, single submitter. Criteria: Ambry Variant Classification Scheme 2023. Collection method: clinical testing. Allele origin: germline.
Comment: The p.S501L variant (also known as c.1502C>T), located in coding exon 11 of the BMPR1A gene, results from a C to T substitution at nucleotide position 1502. The serine at codon 501 is replaced by leucine, an amino acid with dissimilar properties. This amino acid position is well conserved in available vertebrate species. In addition, the in silico prediction for this alteration is inconclusive. Based on the available evidence, the clinical significance of this variant remains unclear.